The following is an entry in ClinVar:

NM_021615.5(CHST6):c.532T>G (p.Phe178Val)

Gene: CHST6 (carbohydrate sulfotransferase 6; minus strand). Cytogenetic location: 16q23.1.
Variant type: single nucleotide variant.
Coding change: c.532T>G on transcript NM_021615.5 (MANE Select); coding-DNA position 532, T replaced by G.
Protein change: p.Phe178Val; replaces phenylalanine 178 with valine.
Molecular consequence: missense variant.
Genome position (GRCh38, 1-based): chr16:75,479,297, A>C on the plus strand (T>G on the coding strand, the complement: CHST6 is on the minus strand). VCF-style: chr16-75479297-A-C. GRCh37 (hg19) VCF-style: chr16-75513195-A-C.
Other names: short protein forms F178V.
Identifiers: ClinVar variation 1382293 (VCV001382293.6), dbSNP rs1567409280, ClinGen allele CA396792412.

ClinVar aggregate classification (germline): Uncertain significance (1 of 4 stars; one submission).

Conditions:
Macular corneal dystrophy (MCD). Also called: GROENOUW TYPE II CORNEAL DYSTROPHY; Macular corneal dystrophy Type I. Identifiers: Orphanet 98969, MedGen C1636149, MONDO:0009020, OMIM 217800.

Allele frequency attached by ClinVar (database versions not stated): gnomAD exomes below 0.00001.
gnomAD v4.1: 5 of 1,613,230 alleles (0.00031%); highest among the groups gnomAD compares: Non-Finnish European, 0.00042%; no homozygotes.

Submission:

Labcorp Genetics (formerly Invitae), Labcorp
Classification: Uncertain significance for Macular corneal dystrophy. Last evaluated: 2022-09-27. Review status: criteria provided, single submitter. Criteria: Invitae Variant Classification Sherloc (09022015). Collection method: clinical testing. Allele origin: germline.
Comment: This variant has not been reported in the literature in individuals affected with CHST6-related conditions. This sequence change replaces phenylalanine, which is neutral and non-polar, with valine, which is neutral and non-polar, at codon 178 of the CHST6 protein (p.Phe178Val). This variant is not present in population databases (gnomAD no frequency). ClinVar contains an entry for this variant (Variation ID: 1382293). Advanced modeling of protein sequence and biophysical properties (such as structural, functional, and spatial information, amino acid conservation, physicochemical variation, residue mobility, and thermodynamic stability) performed at Invitae indicates that this missense variant is not expected to disrupt CHST6 protein function. In summary, the available evidence is currently insufficient to determine the role of this variant in disease. Therefore, it has been classified as a Variant of Uncertain Significance.